The following is an entry in ClinVar:

ClinVar aggregate classification (germline): Uncertain significance (1 of 4 stars; one submission).

gnomAD v4.1: 1 of 1,613,546 alleles (0.000062%); highest among the groups gnomAD compares: Non-Finnish European, 0.000085%; no homozygotes.

Submission:

CeGaT Center for Human Genetics Tuebingen
Classification: Uncertain significance. Last evaluated: 2025-02-01. Review status: criteria provided, single submitter. Criteria: CeGaT Center For Human Genetics Tuebingen Variant Classification Criteria Version 2. Collection method: clinical testing. Allele origin: germline. Affected: yes. Observed: 1 variant allele.
Comment: SLC8B1: PM2

NM_001358345.2(SLC8B1):c.697T>C (p.Tyr233His)

Gene: SLC8B1 (solute carrier family 8 member B1; minus strand). Cytogenetic location: 12q24.13.
Variant type: single nucleotide variant.
Coding change: c.697T>C on transcript NM_001358345.2 (MANE Select); coding-DNA position 697, T replaced by C.
Protein change: p.Tyr233His; replaces tyrosine 233 with histidine.
Molecular consequence: missense variant. On other transcripts: non-coding transcript variant (1).
Genome position (GRCh38, 1-based): chr12:113,319,069, A>G on the plus strand (T>C on the coding strand, the complement: SLC8B1 is on the minus strand). VCF-style: chr12-113319069-A-G. GRCh37 (hg19) VCF-style: chr12-113756874-A-G.
Other names: c.529T>C, p.Tyr177His (NM_001330466.2); c.697T>C, p.Tyr233His (NM_024959.4); short protein forms Y177H, Y233H.
Identifiers: ClinVar variation 3771636 (VCV003771636.13).